The following is an entry in ClinVar:

ClinVar aggregate classification (germline): Uncertain significance. Review status: criteria provided, multiple submitters, no conflicts (2 of 4 stars). 3 submissions from 3 submitters: Uncertain significance (3). Last evaluated 2025-10-07.

Conditions:
Inborn genetic diseases. Identifiers: MedGen C0950123, MeSH D030342.

Allele frequency attached by ClinVar (database versions not stated): TOPMed 0.00003; ExAC 0.00003; gnomAD 0.00003.

Submissions (3):

Ambry Genetics
Classification: Uncertain significance for Inborn genetic diseases. Last evaluated: 2025-10-07. Review status: criteria provided, single submitter. Criteria: Ambry Variant Classification Scheme 2023. Collection method: clinical testing. Allele origin: germline.

GeneDx
Classification: Uncertain significance. Last evaluated: 2024-04-02. Review status: criteria provided, single submitter. Criteria: GeneDx Variant Classification Process June 2021. Collection method: clinical testing. Allele origin: germline. Affected: yes.
Comment: Not observed at significant frequency in large population cohorts (gnomAD); In silico analysis supports that this missense variant does not alter protein structure/function; Has not been previously published as pathogenic or benign to our knowledge

Labcorp Genetics (formerly Invitae), Labcorp
Classification: Uncertain significance. Last evaluated: 2022-06-28. Review status: criteria provided, single submitter. Criteria: Invitae Variant Classification Sherloc (09022015). Collection method: clinical testing. Allele origin: germline.
Comment: This sequence change replaces glycine, which is neutral and non-polar, with alanine, which is neutral and non-polar, at codon 159 of the LTBP4 protein (p.Gly159Ala). This variant is present in population databases (rs374248300, gnomAD 0.007%). This variant has not been reported in the literature in individuals affected with LTBP4-related conditions. Experimental studies and prediction algorithms are not available or were not evaluated, and the functional significance of this variant is currently unknown. In summary, the available evidence is currently insufficient to determine the role of this variant in disease. Therefore, it has been classified as a Variant of Uncertain Significance.

NM_001042545.2(LTBP4):c.386G>C (p.Gly129Ala)

Gene: LTBP4 (latent transforming growth factor beta binding protein 4; plus strand). Cytogenetic location: 19q13.2.
Variant type: single nucleotide variant.
Coding change: c.386G>C on transcript NM_001042545.2 (MANE Select); coding-DNA position 386, G replaced by C.
Protein change: p.Gly129Ala; replaces glycine 129 with alanine.
Molecular consequence: missense variant.
Genome position (GRCh38, 1-based): chr19:40,605,170, G>C. VCF-style: chr19-40605170-G-C. GRCh37 (hg19) VCF-style: chr19-41111076-G-C.
Other names: c.587G>C, p.Gly196Ala (NM_001042544.1); c.476G>C, p.Gly159Ala (NM_003573.2); short protein forms G129A, G159A, G196A.
Identifiers: ClinVar variation 2071704 (VCV002071704.5), dbSNP rs374248300, ClinGen allele CA9448017.